The following is an entry in ClinVar:

ClinVar aggregate classification (germline): Uncertain significance. Review status: criteria provided, multiple submitters, no conflicts (2 of 4 stars). 2 submissions from 2 submitters: Uncertain significance (2). Last evaluated 2024-12-23.

Conditions:
CACNA1G-related disorder. Also called: CACNA1G-related condition; CACNA1G-related disorders.
Inborn genetic diseases. Identifiers: MedGen C0950123, MeSH D030342.

gnomAD v4.1: 7 of 1,613,728 alleles (0.00043%); highest among the groups gnomAD compares: African/African-American, 0.004%; no homozygotes.

Submissions (2):

PreventionGenetics, part of Exact Sciences
Classification: Uncertain significance for CACNA1G-related condition. Last evaluated: 2024-12-23. Review status: criteria provided, single submitter. Criteria: ACMG Guidelines, 2015. Collection method: clinical testing. Allele origin: germline.
Comment: The CACNA1G c.4855G>A variant is predicted to result in the amino acid substitution p.Gly1619Ser. To our knowledge, this variant has not been reported in the literature. This variant is reported in 0.00089% of alleles in individuals of European (Non-Finnish) descent in gnomAD. At this time, the clinical significance of this variant is uncertain due to the absence of conclusive functional and genetic evidence.

Ambry Genetics
Classification: Uncertain significance for Inborn genetic diseases. Last evaluated: 2024-12-09. Review status: criteria provided, single submitter. Criteria: Ambry Variant Classification Scheme 2023. Collection method: clinical testing. Allele origin: germline.

NM_018896.5(CACNA1G):c.4855G>A (p.Gly1619Ser)

Gene: CACNA1G (calcium voltage-gated channel subunit alpha1 G; plus strand). Cytogenetic location: 17q21.33.
Variant type: single nucleotide variant.
Coding change: c.4855G>A on transcript NM_018896.5 (MANE Select); coding-DNA position 4855, G replaced by A.
Protein change: p.Gly1619Ser; replaces glycine 1619 with serine.
Molecular consequence: missense variant. On other transcripts: non-coding transcript variant (5).
Genome position (GRCh38, 1-based): chr17:50,615,456, G>A. VCF-style: chr17-50615456-G-A. GRCh37 (hg19) VCF-style: chr17-48692817-G-A.
Other names: c.4855G>A (NM_018896.4); c.4786G>A, p.Gly1596Ser (NM_198382.3, NM_198383.3); c.4855G>A, p.Gly1619Ser (NM_198384.3, NM_198385.3, NM_001256327.2 and 1 more transcripts); c.4801G>A, p.Gly1601Ser (NM_198386.3, NM_001256324.2, NM_001256328.2); c.4753G>A, p.Gly1585Ser (NM_198387.3, NM_198396.3, NM_001256329.2 and 2 more transcripts); c.4732G>A, p.Gly1578Ser (NM_198388.3); c.4876G>A, p.Gly1626Ser (NM_001256325.2); c.4720G>A, p.Gly1574Ser (NM_001256326.2, NM_001256330.2); and 6 more; short protein forms G1562S, G1592S, G1596S, G1601S, G1608S, G1626S, G1567S, G1583S.
Identifiers: ClinVar variation 3484017 (VCV003484017.2).
Genomic context (GRCh38, chr17:50,615,456, plus strand): 5'-CGCTTCCGGCTCCTCGTCCACCACTTGTGCACCAGCCACTACCTGGACCTCTTCATCACA[G>A]GTGTCATCGGGCTGAACGTGGTCACCATGGCCATGGAGCACTACCAGCAGCCCCAGGTAG-3'
Protein context (NP_061496.2, residues 1609-1629): TSHYLDLFIT[Gly1619Ser]VIGLNVVTMA